The following is an entry in ClinVar:

NM_001308330.2(STXBP5L):c.3283C>T (p.Pro1095Ser)

Gene: STXBP5L (syntaxin binding protein 5L; plus strand). Cytogenetic location: 3q13.33.
Variant type: single nucleotide variant.
Coding change: c.3283C>T on transcript NM_001308330.2 (MANE Select); coding-DNA position 3283, C replaced by T.
Protein change: p.Pro1095Ser; replaces proline 1095 with serine.
Molecular consequence: missense variant. On other transcripts: non-coding transcript variant (1).
Genome position (GRCh38, 1-based): chr3:121,418,393, C>T. VCF-style: chr3-121418393-C-T. GRCh37 (hg19) VCF-style: chr3-121137240-C-T.
Other names: c.3355C>T, p.Pro1119Ser (NM_001348343.2, NM_014980.3); c.3283C>T, p.Pro1095Ser (NM_001348344.2, NM_001348345.2); short protein forms P1095S, P1119S.
Identifiers: ClinVar variation 3048778 (VCV003048778.2), dbSNP rs182836802, ClinGen allele CA2562026.

ClinVar aggregate classification (germline): Likely benign (0 of 4 stars; one submission).

Conditions:
STXBP5L-related disorder. Also called: STXBP5L-related condition.

Allele frequency attached by ClinVar (database versions not stated): gnomAD exomes 0.00034; ExAC 0.00050; ESP Exome Variant Server 0.00065; gnomAD 0.00068; TOPMed 0.00079; 1000 Genomes Project 0.00140; 1000 Genomes Project 30x 0.00141.

Submission:

PreventionGenetics, part of Exact Sciences
Classification: Likely benign for STXBP5L-related condition. Last evaluated: 2019-12-17. Review status: no assertion criteria provided. Collection method: clinical testing. Allele origin: germline.
Comment: This variant is classified as likely benign based on ACMG/AMP sequence variant interpretation guidelines (Richards et al. 2015 PMID: 25741868, with internal and published modifications).